The following is an entry in ClinVar:

NM_001358530.2(MOCS1):c.628G>A (p.Gly210Ser)

Gene: MOCS1 (molybdenum cofactor synthesis 1; minus strand). Cytogenetic location: 6p21.2.
Variant type: single nucleotide variant.
Coding change: c.628G>A on transcript NM_001358530.2 (MANE Select); coding-DNA position 628, G replaced by A.
Protein change: p.Gly210Ser; replaces glycine 210 with serine.
Molecular consequence: missense variant. On other transcripts: non-coding transcript variant (1).
Genome position (GRCh38, 1-based): chr6:39,913,791, C>T on the plus strand (G>A on the coding strand, the complement: MOCS1 is on the minus strand). VCF-style: chr6-39913791-C-T. GRCh37 (hg19) VCF-style: chr6-39881535-C-T.
Other names: c.628G>A, p.Gly210Ser (NM_001075098.4, NM_001358529.2, NM_005943.6); c.367G>A, p.Gly123Ser (NM_001358531.2, NM_001358533.2, NM_001358534.2); c.628G>A (NM_005943.5); short protein forms G123S, G210S.
Identifiers: ClinVar variation 1058923 (VCV001058923.6), dbSNP rs181091882, ClinGen allele CA3796222.

ClinVar aggregate classification (germline): Uncertain significance. Review status: criteria provided, multiple submitters, no conflicts (2 of 4 stars). 3 submissions from 3 submitters: Uncertain significance (3). Last evaluated 2024-11-07.

Conditions:
Inborn genetic diseases. Identifiers: MedGen C0950123, MeSH D030342.
Sulfite oxidase deficiency due to molybdenum cofactor deficiency type A. Also called: Molybdenum cofactor deficiency, complementation group A; Molybdenum Cofactor Deficiency A. Identifiers: Orphanet 308386, Orphanet 833, MedGen C1854988, MONDO:0009643, OMIM 252150.

Allele frequency attached by ClinVar (database versions not stated): TOPMed 0.00002; gnomAD 0.00009 and 0.00010; gnomAD exomes 0.00010 and 0.00014; 1000 Genomes Project 30x 0.00016; 1000 Genomes Project 0.00020; ExAC 0.00020.
gnomAD v4.1: 167 of 1,614,178 alleles (0.01%); highest among the groups gnomAD compares: Non-Finnish European, 0.0073%; no homozygotes.

Submissions (3):

Blueprint Genetics
Classification: Uncertain significance. Last evaluated: 2024-11-07. Review status: criteria provided, single submitter. Criteria: ACMG Guidelines, 2015. Collection method: clinical testing. Allele origin: germline.

Ambry Genetics
Classification: Uncertain significance for Inborn genetic diseases. Last evaluated: 2024-01-24. Review status: criteria provided, single submitter. Criteria: Ambry Variant Classification Scheme 2023. Collection method: clinical testing. Allele origin: germline.

Labcorp Genetics (formerly Invitae), Labcorp
Classification: Uncertain significance for Sulfite oxidase deficiency due to molybdenum cofactor deficiency type A. Last evaluated: 2022-07-13. Review status: criteria provided, single submitter. Criteria: Invitae Variant Classification Sherloc (09022015). Collection method: clinical testing. Allele origin: germline.
Comment: This sequence change replaces glycine, which is neutral and non-polar, with serine, which is neutral and polar, at codon 210 of the MOCS1 protein (p.Gly210Ser). This variant is present in population databases (rs181091882, gnomAD 0.1%). This variant has not been reported in the literature in individuals affected with MOCS1-related conditions. ClinVar contains an entry for this variant (Variation ID: 1058923). Algorithms developed to predict the effect of missense changes on protein structure and function are either unavailable or do not agree on the potential impact of this missense change (SIFT: "Not Available"; PolyPhen-2: "Probably Damaging"; Align-GVGD: "Not Available"). In summary, the available evidence is currently insufficient to determine the role of this variant in disease. Therefore, it has been classified as a Variant of Uncertain Significance.